The following is an entry in ClinVar:

NM_002224.4(ITPR3):c.1688C>G (p.Ser563Cys)

Gene: ITPR3 (inositol 1,4,5-trisphosphate receptor type 3; plus strand). Cytogenetic location: 6p21.31.
Variant type: single nucleotide variant.
Coding change: c.1688C>G on transcript NM_002224.4 (MANE Select); coding-DNA position 1688, C replaced by G.
Protein change: p.Ser563Cys; replaces serine 563 with cysteine.
Molecular consequence: missense variant.
Genome position (GRCh38, 1-based): chr6:33,667,265, C>G. VCF-style: chr6-33667265-C-G. GRCh37 (hg19) VCF-style: chr6-33635042-C-G.
Other names: p.Ser563Cys; short protein forms S563C.
Identifiers: ClinVar variation 4850951 (VCV004850951.1).

ClinVar aggregate classification (germline): Uncertain significance (1 of 4 stars; one submission).

Conditions:
Immunodeficiency 133 with ectodermal dysplasia with or without peripheral neuropathy. Identifiers: MedGen C6012744, MONDO:0979570, OMIM 621254.

Submission:

Department of Molecular Genetics, Istishari Arab Hospital
Classification: Uncertain significance for Immunodeficiency 133 with ectodermal dysplasia with or without peripheral neuropathy. Last evaluated: 2026-05-19. Review status: criteria provided, single submitter. Criteria: ACMG Guidelines, 2015. Collection method: clinical testing. Allele origin: germline. Inheritance: Autosomal dominant inheritance. Affected: yes.
Comment: The ITPR3 variant c.1688C>G, p.Ser563Cys creates an amino acid change from Ser to Cys at position 563. The variant is not observed in the gnomAD v4.1.0 dataset, and to the best of our knowledge, it has not been previously reported in the literature. It is classified as a variant of uncertain significance according to the recommendations of ACMG/AMP/ClinGen SVI guidelines.